The following is an entry in ClinVar:

ClinVar aggregate classification (germline): Uncertain significance (1 of 4 stars; one submission).

Conditions:
Short-rib thoracic dysplasia 13 with or without polydactyly (SRTD13). Identifiers: Orphanet 474, MedGen C4225378, MONDO:0014577, OMIM 616300.

Allele frequency attached by ClinVar (database versions not stated): ExAC 0.00001.
gnomAD v4.1: 2 of 1,591,778 alleles (0.00013%); highest among the groups gnomAD compares: East Asian, 0.0046%; no homozygotes.

Submission:

Labcorp Genetics (formerly Invitae), Labcorp
Classification: Uncertain significance for Short-rib thoracic dysplasia 13 with or without polydactyly. Last evaluated: 2024-10-23. Review status: criteria provided, single submitter. Criteria: Invitae Variant Classification Sherloc (09022015). Collection method: clinical testing. Allele origin: germline.
Comment: This sequence change replaces histidine, which is basic and polar, with leucine, which is neutral and non-polar, at codon 464 of the CEP120 protein (p.His464Leu). This variant is present in population databases (rs776098623, gnomAD 0.01%). This variant has not been reported in the literature in individuals affected with CEP120-related conditions. ClinVar contains an entry for this variant (Variation ID: 644511). Invitae Evidence Modeling of protein sequence and biophysical properties (such as structural, functional, and spatial information, amino acid conservation, physicochemical variation, residue mobility, and thermodynamic stability) indicates that this missense variant is not expected to disrupt CEP120 protein function with a negative predictive value of 80%. In summary, the available evidence is currently insufficient to determine the role of this variant in disease. Therefore, it has been classified as a Variant of Uncertain Significance.

NM_001375405.1(CEP120):c.1391A>T (p.His464Leu)

Gene: CEP120 (centrosomal protein 120; minus strand). Cytogenetic location: 5q23.2.
Variant type: single nucleotide variant.
Coding change: c.1391A>T on transcript NM_001375405.1 (MANE Select); coding-DNA position 1391, A replaced by T.
Protein change: p.His464Leu; replaces histidine 464 with leucine.
Molecular consequence: missense variant. On other transcripts: non-coding transcript variant (1).
Genome position (GRCh38, 1-based): chr5:123,388,471, T>A on the plus strand (A>T on the coding strand, the complement: CEP120 is on the minus strand). VCF-style: chr5-123388471-T-A. GRCh37 (hg19) VCF-style: chr5-122724165-T-A.
Other names: c.1313A>T, p.His438Leu (NM_001166226.2); c.1256A>T, p.His419Leu (NM_001375406.1); c.1391A>T, p.His464Leu (NM_001375407.1, NM_153223.4); c.818A>T, p.His273Leu (NM_001375408.1, NM_001375409.1); short protein forms H438L, H464L, H273L, H419L.
Identifiers: ClinVar variation 644511 (VCV000644511.8), dbSNP rs776098623, ClinGen allele CA3386992.